The following is an entry in ClinVar:

ClinVar aggregate classification (germline): Uncertain significance (1 of 4 stars; one submission).

Submission:

Labcorp Genetics (formerly Invitae), Labcorp
Classification: Uncertain significance. Last evaluated: 2022-07-25. Review status: criteria provided, single submitter. Criteria: Invitae Variant Classification Sherloc (09022015). Collection method: clinical testing. Allele origin: germline.
Comment: This sequence change creates a premature translational stop signal (p.Cys301Profs*6) in the GLYCTK gene. While this is not anticipated to result in nonsense mediated decay, it is expected to disrupt the last 223 amino acid(s) of the GLYCTK protein. This variant is present in population databases (rs779725120, gnomAD 0.003%). This variant has not been reported in the literature in individuals affected with GLYCTK-related conditions. Experimental studies and prediction algorithms are not available or were not evaluated, and the functional significance of this variant is currently unknown. In summary, the available evidence is currently insufficient to determine the role of this variant in disease. Therefore, it has been classified as a Variant of Uncertain Significance.

NM_145262.4(GLYCTK):c.898_899dup (p.Cys301fs)

Gene: GLYCTK (glycerate kinase; plus strand). Cytogenetic location: 3p21.2.
Variant type: Microsatellite.
Coding change: c.898_899dup on transcript NM_145262.4 (MANE Select); coding-DNA positions 898 to 899, 2 bases duplicated (AC; older notation c.898_899dupAC).
Protein change: p.Cys301fs; shifts the reading frame from cysteine 301.
Molecular consequence: frameshift variant. On other transcripts: 3 prime UTR variant (1), non-coding transcript variant (3).
Genome position (GRCh38, 1-based): chr3:52,292,452-52,292,453, AC duplicated; duplicating any 2 consecutive bases within chr3:52,292,447-52,292,453 gives the same sequence; the c. name uses the placement nearest the transcript's 3' end. VCF-style (leftmost placement, unchanged base first): chr3-52292446-C-CCA. GRCh37 (hg19) VCF-style: chr3-52326462-C-CCA.
Other names: c.*13AC[4] (NM_001144951.2); short protein forms C301fs.
Identifiers: ClinVar variation 2097649 (VCV002097649.4), dbSNP rs779725120, ClinGen allele CA2432212.